The following is an entry in ClinVar:

ClinVar aggregate classification (germline): Benign (1 of 4 stars; one submission).

Allele frequency attached by ClinVar (database versions not stated): gnomAD 0.02418 and 0.02570; TOPMed 0.02656; 1000 Genomes Project 0.02895; 1000 Genomes Project 30x 0.02951.
gnomAD v4.1: 3,641 of 152,152 alleles (2.4%); highest among the groups gnomAD compares: African/African-American, 8.3%; 176 homozygotes.

Submission:

GeneDx
Classification: Benign. Last evaluated: 2018-06-19. Review status: criteria provided, single submitter. Criteria: GeneDx Variant Classification (06012015). Collection method: clinical testing. Allele origin: germline. Affected: yes.
Comment: This variant is considered likely benign or benign based on one or more of the following criteria: it is a conservative change, it occurs at a poorly conserved position in the protein, it is predicted to be benign by multiple in silico algorithms, and/or has population frequency not consistent with disease.

NM_182961.4(SYNE1):c.4150-293A>T

Gene: SYNE1 (spectrin repeat containing nuclear envelope protein 1; minus strand). Cytogenetic location: 6q25.2.
Variant type: single nucleotide variant.
Coding change: c.4150-293A>T on transcript NM_182961.4 (MANE Select); 293 bases into the intron before coding-DNA position 4150, A replaced by T.
Molecular consequence: intron variant.
Genome position (GRCh38, 1-based): chr6:152,436,394, T>A on the plus strand (A>T on the coding strand, the complement: SYNE1 is on the minus strand). VCF-style: chr6-152436394-T-A. GRCh37 (hg19) VCF-style: chr6-152757529-T-A.
Other names: c.4171-293A>T (NM_033071.5).
Identifiers: ClinVar variation 674227 (VCV000674227.1), dbSNP rs77463454, ClinGen allele CA150223313.